The following is an entry in ClinVar:

ClinVar aggregate classification (germline): Uncertain significance (1 of 4 stars; one submission).

Conditions:
Early-infantile DEE. Also called: Early infantile epileptic encephalopathy with suppression bursts; Early infantile epileptic encephalopathy; Ohtahara syndrome. Identifiers: Orphanet 1934, MedGen C0393706, MONDO:0800491.

Submission:

Labcorp Genetics (formerly Invitae), Labcorp
Classification: Uncertain significance for Early-infantile DEE. Last evaluated: 2023-06-14. Review status: criteria provided, single submitter. Criteria: Invitae Variant Classification Sherloc (09022015). Collection method: clinical testing. Allele origin: germline.
Comment: This variant is not present in population databases (gnomAD no frequency). This sequence change replaces threonine, which is neutral and polar, with alanine, which is neutral and non-polar, at codon 655 of the KCNQ2 protein (p.Thr655Ala). This variant has not been reported in the literature in individuals affected with KCNQ2-related conditions. In summary, the available evidence is currently insufficient to determine the role of this variant in disease. Therefore, it has been classified as a Variant of Uncertain Significance. Algorithms developed to predict the effect of missense changes on protein structure and function output the following: SIFT: "Not Available"; PolyPhen-2: "Benign"; Align-GVGD: "Not Available". The alanine amino acid residue is found in multiple mammalian species, which suggests that this missense change does not adversely affect protein function. ClinVar contains an entry for this variant (Variation ID: 1719427).

NM_172107.4(KCNQ2):c.1963A>G (p.Thr655Ala)

Gene: KCNQ2 (potassium voltage-gated channel subfamily Q member 2; minus strand). Cytogenetic location: 20q13.33.
Variant type: single nucleotide variant.
Coding change: c.1963A>G on transcript NM_172107.4 (MANE Select); coding-DNA position 1963, A replaced by G.
Protein change: p.Thr655Ala; replaces threonine 655 with alanine.
Molecular consequence: missense variant.
Genome position (GRCh38, 1-based): chr20:63,407,300, T>C on the plus strand (A>G on the coding strand, the complement: KCNQ2 is on the minus strand). VCF-style: chr20-63407300-T-C. GRCh37 (hg19) VCF-style: chr20-62038653-T-C.
Other names: c.2017A>G, p.Thr673Ala (NM_001382235.1); c.1879A>G, p.Thr627Ala (NM_004518.6); c.1909A>G, p.Thr637Ala (NM_172106.3); c.1870A>G, p.Thr624Ala (NM_172108.5); short protein forms T624A, T627A, T637A, T655A, T673A.
Identifiers: ClinVar variation 1719427 (VCV001719427.5), dbSNP rs2516104217, ClinGen allele CA409639326.